The following is an entry in ClinVar:

NM_000257.4(MYH7):c.3307C>A (p.Gln1103Lys)

Gene: MYH7 (myosin heavy chain 7; minus strand). Cytogenetic location: 14q11.2.
Variant type: single nucleotide variant.
Coding change: c.3307C>A on transcript NM_000257.4 (MANE Select); coding-DNA position 3307, C replaced by A.
Protein change: p.Gln1103Lys; replaces glutamine 1103 with lysine.
Molecular consequence: missense variant.
Genome position (GRCh38, 1-based): chr14:23,420,987, G>T on the plus strand (C>A on the coding strand, the complement: MYH7 is on the minus strand). VCF-style: chr14-23420987-G-T. GRCh37 (hg19) VCF-style: chr14-23890196-G-T.
Other names: short protein forms Q1103K.
Identifiers: ClinVar variation 935995 (VCV000935995.9), dbSNP rs1892450549, ClinGen allele CA389044386.

ClinVar aggregate classification (germline): Uncertain significance (1 of 4 stars; one submission).

Conditions:
Hypertrophic cardiomyopathy. Also called: HYPERTROPHIC MYOCARDIOPATHY. Identifiers: Orphanet 217569, MedGen C0007194, MeSH D002312, MONDO:0005045, HP:0001639.

Submission:

Labcorp Genetics (formerly Invitae), Labcorp
Classification: Uncertain significance for Hypertrophic cardiomyopathy. Last evaluated: 2021-07-05. Review status: criteria provided, single submitter. Criteria: Invitae Variant Classification Sherloc (09022015). Collection method: clinical testing. Allele origin: germline.
Comment: In summary, the available evidence is currently insufficient to determine the role of this variant in disease. Therefore, it has been classified as a Variant of Uncertain Significance. Algorithms developed to predict the effect of missense changes on protein structure and function are either unavailable or do not agree on the potential impact of this missense change (SIFT: "Deleterious"; PolyPhen-2: "Probably Damaging"; Align-GVGD: "Class C0"). This variant has not been reported in the literature in individuals with MYH7-related conditions. This variant is not present in population databases (ExAC no frequency). This sequence change replaces glutamine with lysine at codon 1103 of the MYH7 protein (p.Gln1103Lys). The glutamine residue is highly conserved and there is a small physicochemical difference between glutamine and lysine.